The following is an entry in ClinVar:

NM_001267550.2(TTN):c.105514_105516del (p.Ser35172del)

Genes: TTN (titin; minus strand), TTN-AS1 (TTN antisense RNA 1; plus strand), LOC129935184 (ATAC-STARR-seq lymphoblastoid active region 16809; plus strand). Cytogenetic location: 2q31.2.
Variant type: Deletion.
Coding change: c.105514_105516del on transcript NM_001267550.2 (MANE Select); coding-DNA positions 105514 to 105516, 3 bases deleted (TCT; older notation c.105514_105516delTCT).
Protein change: p.Ser35172del; deletes serine 35172.
Molecular consequence: inframe deletion.
Genome position (GRCh38, 1-based): chr2:178,531,099-178,531,101, AGA deleted on the plus strand (TCT on the coding strand, the reverse complement: TTN is on the minus strand); deleting any 3 consecutive bases within chr2:178,531,099-178,531,103 gives the same sequence; the c. name uses the placement nearest the transcript's 3' end. VCF-style (leftmost placement, unchanged base first): chr2-178531098-CAGA-C. GRCh37 (hg19) VCF-style: chr2-179395825-CAGA-C.
Other names: p.Ser33531del; c.105514_105516del (LRG_391t1); c.100591_100593del, p.Ser33531del (NM_001256850.1); c.78319_78321del, p.Ser26107del (NM_003319.4); c.97810_97812del, p.Ser32604del (NM_133378.4); c.78694_78696del, p.Ser26232del (NM_133432.3); c.78895_78897del, p.Ser26299del (NM_133437.4); c.97810_97812delTCT (NM_133378.4); and 2 more; short protein forms S35172del, S26299del, S32604del, S33531del, S26107del, S26232del.
Identifiers: ClinVar variation 180582 (VCV000180582.59), dbSNP rs573843615, ClinGen allele CA346775.
Genomic context (GRCh38, chr2:178,531,098, plus strand): 5'-CCTGGACTGAAGAGATCTCAAAGGTTGATTTGTACTTTGTGGTGGTCACTTGGTGGCGGG[CAGA>C]AGTACTTAGCACTTGTCCTTTACGCAGCCAGGTCACAGTTGGTACCGGCTCACCATCGGT-3'

ClinVar aggregate classification (germline): Conflicting classifications of pathogenicity. Review status: criteria provided, conflicting classifications (1 of 4 stars). 16 submissions from 16 submitters: Uncertain significance (10); Likely benign (6). Last evaluated 2026-05-01.

Conditions:
TTN-related disorder. Also called: TTN-related condition; TTN-related disease; TTN-related disorders.
Cardiovascular phenotype. Identifiers: MedGen CN230736.
Dilated cardiomyopathy 1G (CMD1G). Identifiers: Orphanet 154, MedGen C1858763, MONDO:0011400, OMIM 604145.
Autosomal recessive limb-girdle muscular dystrophy type 2J (LGMDR10). Also called: Limb-girdle muscular dystrophy, type 2J; MUSCULAR DYSTROPHY, LIMB-GIRDLE, AUTOSOMAL RECESSIVE 10. Identifiers: Orphanet 140922, MedGen C1837342, MONDO:0012127, OMIM 608807.
Cardiomyopathy (CMYO). Also called: Cardiomyopathies. Identifiers: Orphanet 167848, MedGen C0878544, MONDO:0004994, HP:0001638. Inheritance: Various modes of inheritance.
Hypertrophic cardiomyopathy 1 (CMH1). Also called: Familial hypertrophic cardiomyopathy 1; MYH7-Related Familial Hypertrophic Cardiomyopathy. Identifiers: MedGen C3495498, MONDO:0008647, OMIM 192600.
Myopathy, myofibrillar, 9, with early respiratory failure (MFM9). Also called: EDSTROM MYOPATHY; MYOPATHY, PROXIMAL, WITH EARLY RESPIRATORY MUSCLE INVOLVEMENT; Hereditary myopathy with early respiratory failure; Myopathy, distal, with early respiratory failure, autosomal dominant. Identifiers: Orphanet 178464, Orphanet 34521, MedGen C1863599, MONDO:0011362, OMIM 603689.

Submissions (16):

CeGaT Center for Human Genetics Tuebingen
Classification: Uncertain significance. Last evaluated: 2026-05-01. Review status: criteria provided, single submitter. Criteria: CeGaT Center For Human Genetics Tuebingen Variant Classification Criteria Version 2. Collection method: clinical testing. Allele origin: germline. Affected: yes. Observed: 4 variant alleles.
Comment: TTN: PM4:Supporting

Women's Health and Genetics/Laboratory Corporation of America, LabCorp
Classification: Likely benign. Last evaluated: 2025-04-29. Review status: criteria provided, single submitter. Criteria: LabCorp Variant Classification Summary - May 2015. Collection method: clinical testing. Allele origin: germline.
Comment: Variant summary: TTN c.97810_97812delTCT (p.Ser32604del) results in an in-frame deletion that is predicted to remove 1 amino acid from the encoded protein. The variant allele was found at a frequency of 0.00031 in 249180 control chromosomes, predominantly at a frequency of 0.00052 within the Non-Finnish European subpopulation in the gnomAD database. The observed variant frequency within Non-Finnish European control individuals in the gnomAD database is approximately 1.33 fold of the estimated maximal expected allele frequency for a pathogenic variant in TTN causing Dilated Cardiomyopathy phenotype (0.00039). c.97810_97812delTCT has been observed in individual(s) affected with Dilated Cardiomyopathy without strong evidence for causality (example, Verdonschot_2020). These report(s) do not provide unequivocal conclusions about association of the variant with TTN-related conditions. To our knowledge, no experimental evidence demonstrating an impact on protein function has been reported. The following publication has been ascertained in the context of this evaluation (PMID: 32880476). ClinVar contains an entry for this variant (Variation ID: 180582). Based on the evidence outlined above, the variant was classified as likely benign.

PreventionGenetics, part of Exact Sciences
Classification: Likely benign for TTN-related condition. Last evaluated: 2025-04-28. Review status: criteria provided, single submitter. Criteria: ACMG Guidelines, 2015. Collection method: clinical testing. Allele origin: germline.
Comment: This variant is classified as likely benign based on ACMG/AMP sequence variant interpretation guidelines (Richards et al. 2015 PMID: 25741868, with internal and published modifications).

Molecular Diagnostic Laboratory for Inherited Cardiovascular Disease, Montreal Heart Institute
Classification: Uncertain significance for Cardiovascular phenotype. Last evaluated: 2025-04-09. Review status: criteria provided, single submitter. Criteria: ACMG Guidelines, 2015. Collection method: clinical testing. Allele origin: germline. Affected: yes.

Blueprint Genetics
Classification: Likely benign. Last evaluated: 2024-11-12. Review status: criteria provided, single submitter. Criteria: ACMG Guidelines, 2015. Collection method: clinical testing. Allele origin: germline.

Revvity Omics, Revvity
Classification: Uncertain significance. Last evaluated: 2024-10-30. Review status: criteria provided, single submitter. Criteria: ACMG Guidelines, 2015. Collection method: clinical testing. Allele origin: germline.

Ambry Genetics
Classification: Likely benign for Cardiovascular phenotype. Last evaluated: 2024-04-10. Review status: criteria provided, single submitter. Criteria: Ambry Variant Classification Scheme 2023. Collection method: clinical testing. Allele origin: germline.

Mayo Clinic Laboratories, Mayo Clinic
Classification: Uncertain significance. Last evaluated: 2023-02-24. Review status: criteria provided, single submitter. Criteria: ACMG Guidelines, 2015. Collection method: clinical testing. Allele origin: germline. Observed: 1 variant allele.
Comment: BS1

GeneDx
Classification: Likely benign. Last evaluated: 2021-06-09. Review status: criteria provided, single submitter. Criteria: GeneDx Variant Classification Process June 2021. Collection method: clinical testing. Allele origin: germline. Affected: yes.
Comment: Has not been previously published as pathogenic or benign to our knowledge; This variant is associated with the following publications: (PMID: 32880476)

CHEO Genetics Diagnostic Laboratory, Children's Hospital of Eastern Ontario
Classification: Uncertain significance for Cardiomyopathy. Last evaluated: 2019-07-16. Review status: criteria provided, single submitter. Criteria: ACMG Guidelines, 2015. Collection method: clinical testing. Allele origin: germline.

Centre for Mendelian Genomics, University Medical Centre Ljubljana
Classification: Uncertain significance. Last evaluated: 2019-02-16. Review status: criteria provided, single submitter. Criteria: ACMG Guidelines, 2015. Collection method: clinical testing. Allele origin: unknown. Affected: yes.
Comment: This variant was classified as: Uncertain significance. The available evidence on this variant's pathogenicity is insufficient or conflicting. The following ACMG criteria were applied in classifying this variant: PM4.

Baylor Genetics
Classification: Uncertain significance for Myopathy, myofibrillar, 9, with early respiratory failure. Last evaluated: 2018-04-05. Review status: criteria provided, single submitter. Criteria: ACMG Guidelines, 2015. Collection method: clinical testing. Allele origin: maternal. Affected: yes.
Comment: This variant was determined to be of uncertain significance according to ACMG Guidelines, 2015 [PMID:25741868].

Labcorp Genetics (formerly Invitae), Labcorp
Classification: Uncertain significance for Dilated cardiomyopathy 1G; Autosomal recessive limb-girdle muscular dystrophy type 2J. Last evaluated: 2017-12-27. Review status: criteria provided, single submitter. Criteria: Invitae Variant Classification Sherloc (09022015). Collection method: clinical testing. Allele origin: germline.

Eurofins Ntd Llc (ga)
Classification: Uncertain significance. Last evaluated: 2017-08-31. Review status: criteria provided, single submitter. Criteria: EGL Classification Definitions 2015. Collection method: clinical testing. Allele origin: germline. Observed: 3 variant alleles, 1 heterozygote.

ARUP Laboratories, Molecular Genetics and Genomics, ARUP Laboratories
Classification: Uncertain significance. Last evaluated: 2017-05-31. Review status: criteria provided, single submitter. Criteria: ARUP Molecular Germline Variant Investigation Process. Collection method: clinical testing. Allele origin: germline.
Comment: The p.Ser32604del variant (rs573843615) has not been reported in the medical literature nor has it been previously identified in our laboratory; however, it is listed in the ClinVar database as a variant of uncertain significance (Variation ID: 180582). It is listed in the Genome Aggregation Database (gnomAD) browser with a frequency in non-Finnish Europeans of 0.056% (identified in 71 out of 126,608 chromosomes). This variant is an in-frame deletion of a single amino acid in a non-repeat region of TTN protein, and the consequences on protein structure/function are not predictable. Thus, based on the available information, the clinical significance of the p.Ser32604del variant cannot be determined with certainty.

Agnes Ginges Centre for Molecular Cardiology, Centenary Institute
Classification: Likely benign for Hypertrophic cardiomyopathy 1. Last evaluated: 2017-03-15. Review status: criteria provided, single submitter. Criteria: Agnes Ginges Centre for Molecular Cardiology criteria (2015). Collection method: research. Allele origin: germline. Inheritance: Autosomal dominant inheritance. Affected: yes.
Comment: The TTN Ser35172del is an in-frame deletion. This variant is located in the M-band where truncating variants have been associated with DCM. TTN Ser35172del has been observed in the Exome Aggregation Consortium dataset at a frequency of 0.0003. Given the limited understanding of TTN in-frame deletions particularly in HCM cases, the higher than expected frequency in ExAC, and that another possibly disease-causing variant has been identified in our case, we have classified this as a likely benign variant.

Literature cited by the submitters: PubMed 32880476 (cited by 3 submitters).